The following is an entry in ClinVar:

NM_001042492.3(NF1):c.403_405del (p.Arg135del)

Gene: NF1 (neurofibromin 1; plus strand). Cytogenetic location: 17q11.2.
Variant type: Deletion.
Coding change: c.403_405del on transcript NM_001042492.3 (MANE Select); coding-DNA positions 403 to 405, 3 bases deleted (CGG; older notation c.403_405delCGG).
Protein change: p.Arg135del; deletes arginine 135.
Molecular consequence: inframe deletion. On other transcripts: inframe indel (1).
Genome position (GRCh38, 1-based): chr17:31,163,300-31,163,302, CGG deleted. VCF-style (leftmost placement, unchanged base first): chr17-31163299-TCGG-T. GRCh37 (hg19) VCF-style: chr17-29490317-TCGG-T.
Other names: c.403_405delCGG (NM_000267.3); c.403_405delCGG, p.Arg135del (NM_000267.4); c.403_405del, p.Arg135del (NM_001128147.3); short protein forms R135del.
Identifiers: ClinVar variation 652355 (VCV000652355.6), dbSNP rs1597635919, ClinGen allele CA915949725.

ClinVar aggregate classification (germline): Conflicting classifications of pathogenicity. Review status: criteria provided, conflicting classifications (1 of 4 stars). 2 submissions from 2 submitters: Likely pathogenic (1); Uncertain significance (1). Last evaluated 2025-02-03.

Conditions:
Neurofibromatosis, type 1 (NF1). Also called: Peripheral type neurofibromatosis; VON RECKLINGHAUSEN DISEASE; NEUROFIBROMATOSIS, TYPE I, SOMATIC; Neurofibromatosis, type I. Identifiers: Orphanet 636, MedGen C0027831, MONDO:0018975, OMIM 162200. Disease mechanism: loss of function.

Submissions (2):

GeneDx
Classification: Likely pathogenic. Last evaluated: 2025-02-03. Review status: criteria provided, single submitter. Criteria: GeneDx Variant Classification Process June 2021. Collection method: clinical testing. Allele origin: germline.
Comment: In-frame deletion of one amino acid in a non-repeat region; Not observed at significant frequency in large population cohorts (gnomAD); In silico analysis supports a deleterious effect on protein structure/function; Has not been previously published as pathogenic or benign to our knowledge

Labcorp Genetics (formerly Invitae), Labcorp
Classification: Uncertain significance for Neurofibromatosis, type 1. Last evaluated: 2018-08-02. Review status: criteria provided, single submitter. Criteria: Invitae Variant Classification Sherloc (09022015). Collection method: clinical testing. Allele origin: germline.
Comment: This variant, c.403_405delCGG, results in the deletion of 1 amino acid of the NF1 protein (p.Arg135del), but otherwise preserves the integrity of the reading frame. This variant is not present in population databases (ExAC no frequency). This variant has not been reported in the literature in individuals with NF1-related disease. Experimental studies and prediction algorithms are not available for this variant, and the functional significance of the deleted amino acid is currently unknown. In summary, the available evidence is currently insufficient to determine the role of this variant in disease. Therefore, it has been classified as a Variant of Uncertain Significance.